The following is an entry in ClinVar:

ClinVar aggregate classification (germline): Benign. Review status: criteria provided, multiple submitters, no conflicts (2 of 4 stars). 2 submissions from 2 submitters: Benign (2). Last evaluated 2018-06-19.

Allele frequency attached by ClinVar (database versions not stated): gnomAD 0.04911 and 0.05180; gnomAD exomes 0.05509; TOPMed 0.06179; 1000 Genomes Project 30x 0.08120; 1000 Genomes Project 0.08147.
gnomAD v4.1: 86,795 of 1,585,258 alleles (5.5%); highest among the groups gnomAD compares: Admixed American, 20%; 3,924 homozygotes.

Submissions (2):

GeneDx
Classification: Benign. Last evaluated: 2018-06-19. Review status: criteria provided, single submitter. Criteria: GeneDx Variant Classification (06012015). Collection method: clinical testing. Allele origin: germline. Affected: yes.
Comment: This variant is considered likely benign or benign based on one or more of the following criteria: it is a conservative change, it occurs at a poorly conserved position in the protein, it is predicted to be benign by multiple in silico algorithms, and/or has population frequency not consistent with disease.

Breakthrough Genomics
Classification: Benign. Review status: criteria provided, single submitter. Criteria: ACMG Guidelines, 2015. Collection method: not provided. Allele origin: germline. Inheritance: Autosomal recessive inheritance. Affected: yes.

NM_001267550.2(TTN):c.8116+88A>G

Gene: TTN (titin; minus strand). Cytogenetic location: 2q31.2.
Variant type: single nucleotide variant.
Coding change: c.8116+88A>G on transcript NM_001267550.2 (MANE Select); 88 bases into the intron after coding-DNA position 8116, A replaced by G.
Molecular consequence: intron variant.
Genome position (GRCh38, 1-based): chr2:178,771,123, T>C on the plus strand (A>G on the coding strand, the complement: TTN is on the minus strand). VCF-style: chr2-178771123-T-C. GRCh37 (hg19) VCF-style: chr2-179635850-T-C.
Other names: c.8116+88A>G (NM_001256850.1, NM_133378.4, NM_133379.5); c.7978+88A>G (NM_003319.4, NM_133437.4, NM_133432.3).
Identifiers: ClinVar variation 671268 (VCV000671268.2), dbSNP rs2291304, ClinGen allele CA61004310.
Genomic context (GRCh38, chr2:178,771,123, plus strand): 5'-ATGTGTCTCAGGAAGGTTTAGAGGATCTAGAATGACTTTATGAAATGAAAATTTATGGTA[T>C]CCAAAATGGCCATATCGTTTGTCTTTTAAAACGATAACGATCAAGATTGTAATATGATTT-3'